The following is an entry in ClinVar:

ClinVar aggregate classification (germline): Pathogenic. Review status: reviewed by expert panel (3 of 4 stars). 4 submissions from 4 submitters: Pathogenic (1). 3 of the submissions do not count toward it. Last evaluated 2016-04-22.

Conditions:
Hereditary breast ovarian cancer syndrome. Also called: Hereditary breast and/or ovarian cancer syndrome; Breast and ovarian cancer; Hereditary breast and ovarian cancer syndrome; Hereditary breast and ovarian cancer; Hereditary breast and ovarian cancer syndrome (HBOC); BRCA1- and BRCA2-Associated Hereditary Breast and Ovarian Cancer. Identifiers: Orphanet 145, MedGen C0677776, MeSH D061325, MONDO:0003582. Disease mechanism: loss of function.
Breast-ovarian cancer, familial, susceptibility to, 1 (BROVCA1). Also called: BRCA1 Hereditary Breast and Ovarian Cancer; OVARIAN CANCER, SUSCEPTIBILITY TO. Identifiers: Orphanet 145, MedGen C2676676, MONDO:0011450, OMIM 604370. Disease mechanism: loss of function.

Submissions (4):

Evidence-based Network for the Interpretation of Germline Mutant Alleles (ENIGMA)
Classification: Pathogenic for Breast-ovarian cancer, familial, susceptibility to, 1. Last evaluated: 2016-04-22. Review status: reviewed by expert panel. Criteria: ENIGMA BRCA1/2 Classification Criteria (2015). Collection method: curation. Allele origin: germline.
Comment: Variant allele predicted to encode a truncated non-functional protein.

Consortium of Investigators of Modifiers of BRCA1/2 (CIMBA), c/o University of Cambridge
Classification: Pathogenic for Breast-ovarian cancer, familial, susceptibility to, 1. Last evaluated: 2015-10-02. Review status: criteria provided, single submitter. Criteria: CIMBA Mutation Classification guidelines May 2016. Collection method: clinical testing. Allele origin: germline. Not counted in ClinVar's aggregate classification.

Research Molecular Genetics Laboratory, Women's College Hospital, University of Toronto
Classification: Pathogenic for Hereditary breast ovarian cancer syndrome. Last evaluated: 2014-01-31. Review status: no assertion criteria provided. Collection method: research. Allele origin: germline. Affected: yes. Study: The Canadian Open Genetics Repository (COGR). Not counted in ClinVar's aggregate classification.

Breast Cancer Information Core (BIC) (BRCA1)
Classification: Pathogenic for Breast-ovarian cancer, familial 1. Last evaluated: 2002-05-29. Review status: no assertion criteria provided. Collection method: clinical testing. Allele origin: germline. Affected: yes. Observed: 7 variant alleles. Not counted in ClinVar's aggregate classification.

NM_007294.4(BRCA1):c.3256_3257insGA (p.Leu1086Ter)

Genes: BRCA1 (BRCA1 DNA repair associated; minus strand), LOC126862571 (BRD4-independent group 4 enhancer GRCh37_chr17:41243136-41244335; plus strand). Cytogenetic location: 17q21.31.
Variant type: Insertion.
Coding change: c.3256_3257insGA on transcript NM_007294.4 (MANE Select); coding-DNA positions 3256 to 3257, GA inserted.
Protein change: p.Leu1086Ter; replaces leucine 1086 with a stop codon.
Molecular consequence: nonsense. On other transcripts: intron variant (137).
Genome position: GRCh38 VCF-style: chr17-43092274-A-ATC. GRCh37 (hg19) VCF-style: chr17-41244291-A-ATC.
Other names: 3375insGA; 3375_3376insGA; c.785-1243_785-1242insGA (NM_001407972.1, NM_001408397.1, NM_001408401.1 and 13 more transcripts); c.665-1243_665-1242insGA (NM_001408441.1, NM_001408437.1, NM_001408429.1 and 12 more transcripts); c.788-1243_788-1242insGA (NM_001407979.1, NM_001407977.1, NM_001407982.1 and 17 more transcripts); c.647-1243_647-1242insGA (NM_001408410.1, NM_001408458.1, NM_001408469.1 and 11 more transcripts); c.710-1243_710-1242insGA (NM_001408415.1, NM_001408412.1, NM_001408409.1 and 2 more transcripts); c.578-1243_578-1242insGA (NM_001408483.1, NM_001408481.1, NM_001408480.1 and 9 more transcripts); and 43 more; short protein forms L1086*, L1039*, L1015*, L1016*, L1038*, L1045*, L1085*, L918*.
Identifiers: ClinVar variation 125620 (VCV000125620.4), dbSNP rs80357764, ClinGen allele CA002104.